The following is an entry in ClinVar:

ClinVar aggregate classification (germline): Uncertain significance. Review status: criteria provided, multiple submitters, no conflicts (2 of 4 stars). 2 submissions from 2 submitters: Uncertain significance (2). Last evaluated 2025-04-12.

Conditions:
Ataxia-telangiectasia-like disorder (ATLD). Identifiers: MedGen C1858391, MONDO:0011457.
Hereditary cancer-predisposing syndrome. Also called: Tumor predisposition; Hereditary neoplastic syndrome; Neoplastic Syndromes, Hereditary; Hereditary Cancer Syndrome. Identifiers: Orphanet 140162, MedGen C0027672, MeSH D009386, MONDO:0015356.

Allele frequency attached by ClinVar (database versions not stated): TOPMed 0.00001.

Submissions (2):

Ambry Genetics
Classification: Uncertain significance for Hereditary cancer-predisposing syndrome. Last evaluated: 2025-04-12. Review status: criteria provided, single submitter. Criteria: Ambry Variant Classification Scheme 2023. Collection method: clinical testing. Allele origin: germline.

Labcorp Genetics (formerly Invitae), Labcorp
Classification: Uncertain significance for Ataxia-telangiectasia-like disorder. Last evaluated: 2024-10-17. Review status: criteria provided, single submitter. Criteria: Invitae Variant Classification Sherloc (09022015). Collection method: clinical testing. Allele origin: germline.
Comment: This sequence change replaces aspartic acid, which is acidic and polar, with asparagine, which is neutral and polar, at codon 35 of the MRE11 protein (p.Asp35Asn). This variant is not present in population databases (gnomAD no frequency). This variant has not been reported in the literature in individuals affected with MRE11-related conditions. ClinVar contains an entry for this variant (Variation ID: 818297). An algorithm developed to predict the effect of missense changes on protein structure and function (PolyPhen-2) suggests that this variant is likely to be disruptive. In summary, the available evidence is currently insufficient to determine the role of this variant in disease. Therefore, it has been classified as a Variant of Uncertain Significance.

NM_005591.4(MRE11):c.103G>A (p.Asp35Asn)

Gene: MRE11 (MRE11 double strand break repair nuclease; minus strand). Cytogenetic location: 11q21.
Variant type: single nucleotide variant.
Coding change: c.103G>A on transcript NM_005591.4 (MANE Select); coding-DNA position 103, G replaced by A.
Protein change: p.Asp35Asn; replaces aspartic acid 35 with asparagine.
Molecular consequence: missense variant.
Genome position (GRCh38, 1-based): chr11:94,490,883, C>T on the plus strand (G>A on the coding strand, the complement: MRE11 is on the minus strand). VCF-style: chr11-94490883-C-T. GRCh37 (hg19) VCF-style: chr11-94224049-C-T.
Other names: c.103G>A, p.Asp35Asn (NM_001330347.2, NM_005590.4); short protein forms D35N.
Identifiers: ClinVar variation 818297 (VCV000818297.13), dbSNP rs1591726630, ClinGen allele CA382380753.
Genomic context (GRCh38, chr11:94,490,883, plus strand): 5'-CCACACTCACTTCATTTTCCTGGGCAAGTCTTAAAATTTCATCGAGTGTTACAAACGTAT[C>T]ATTTCCTCTGACTGCATCTTTCTCCATAAATCCAAGATGAATATCTGTTGCAACTAATAT-3'
Protein context (NP_005582.1, residues 25-45): FMEKDAVRGN[Asp35Asn]TFVTLDEILR